The following is an entry in ClinVar:

NM_004006.3(DMD):c.8357G>A (p.Trp2786Ter)

Gene: DMD (dystrophin; minus strand). Cytogenetic location: Xp21.1.
Variant type: single nucleotide variant.
Coding change: c.8357G>A on transcript NM_004006.3 (MANE Select); coding-DNA position 8357, G replaced by A.
Protein change: p.Trp2786Ter; replaces tryptophan 2786 with a stop codon.
Molecular consequence: nonsense.
Genome position (GRCh38, 1-based): chrX:31,507,314, C>T on the plus strand (G>A on the coding strand, the complement: DMD is on the minus strand). VCF-style: chrX-31507314-C-T. GRCh37 (hg19) VCF-style: chrX-31525431-C-T.
Other names: c.8333G>A, p.Trp2778Ter (NM_000109.4); c.8345G>A, p.Trp2782Ter (NM_004009.3); c.7988G>A, p.Trp2663Ter (NM_004010.3); c.4334G>A, p.Trp1445Ter (NM_004011.4); c.4325G>A, p.Trp1442Ter (NM_004012.4); c.977G>A, p.Trp326Ter (NM_004013.3, NM_004020.4, NM_004021.3 and 2 more transcripts); c.170G>A, p.Trp57Ter (NM_004014.3); short protein forms W2786*, W1442*, W1445*, W2778*, W2782*, W57*, W2663*, W326*.
Identifiers: ClinVar variation 217214 (VCV000217214.10), dbSNP rs863225012, ClinGen allele CA347478.

ClinVar aggregate classification (germline): Pathogenic. Review status: criteria provided, multiple submitters, no conflicts (2 of 4 stars). 4 submissions from 4 submitters: Pathogenic (3). 1 of the submissions does not count toward it. Last evaluated 2023-05-19.

Conditions:
Cardiomyopathy (CMYO). Also called: Cardiomyopathies. Identifiers: Orphanet 167848, MedGen C0878544, MONDO:0004994, HP:0001638. Inheritance: Various modes of inheritance.
Duchenne muscular dystrophy (DMD). Also called: MUSCULAR DYSTROPHY, PSEUDOHYPERTROPHIC PROGRESSIVE, DUCHENNE TYPE; Duchenne Muscular Dystrophy (DMD). Identifiers: Orphanet 98896, MedGen C0013264, MONDO:0010679, OMIM 310200.
Becker muscular dystrophy (BMD). Also called: Becker Muscular Dystrophy (BMD); MUSCULAR DYSTROPHY, PSEUDOHYPERTROPHIC PROGRESSIVE, BECKER TYPE. Identifiers: Orphanet 98895, MedGen C0917713, MONDO:0010311, OMIM 300376.
Dystrophin deficiency.

Submissions (4):

Labcorp Genetics (formerly Invitae), Labcorp
Classification: Pathogenic for Duchenne muscular dystrophy. Last evaluated: 2023-05-19. Review status: criteria provided, single submitter. Criteria: Invitae Variant Classification Sherloc (09022015). Collection method: clinical testing. Allele origin: germline.
Comment: For these reasons, this variant has been classified as Pathogenic. ClinVar contains an entry for this variant (Variation ID: 217214). This variant is also known as 8565G>A. This premature translational stop signal has been observed in individual(s) with Duchenne muscular dystrophy (PMID: 10464635). This variant is not present in population databases (gnomAD no frequency). This sequence change creates a premature translational stop signal (p.Trp2786*) in the DMD gene. It is expected to result in an absent or disrupted protein product. Loss-of-function variants in DMD are known to be pathogenic (PMID: 16770791, 25007885).

Revvity Omics, Revvity
Classification: Pathogenic. Last evaluated: 2020-01-26. Review status: criteria provided, single submitter. Criteria: ACMG Guidelines, 2015. Collection method: clinical testing. Allele origin: germline.

Athena Diagnostics
Classification: Pathogenic for Duchenne muscular dystrophy. Last evaluated: 2013-04-29. Review status: criteria provided, single submitter. Criteria: Athena Diagnostics Criteria. Collection method: clinical testing. Allele origin: germline. Inheritance: X-linked recessive inheritance.
Comment: X-linked recessive inheritance

Natera, Inc.
Classification: Pathogenic for Becker muscular dystrophy; Cardiomyopathy; Duchenne muscular dystrophy; Dystrophin deficiency. Last evaluated: 2017-03-17. Review status: no assertion criteria provided. Collection method: clinical testing. Allele origin: germline. Not counted in ClinVar's aggregate classification.

Literature cited by the submitters: PubMed 10464635 (cited by Labcorp Genetics (formerly Invitae), Labcorp and Athena Diagnostics); PubMed 16770791 (cited by Labcorp Genetics (formerly Invitae), Labcorp); PubMed 25007885 (cited by Labcorp Genetics (formerly Invitae), Labcorp).